The following is an entry in ClinVar:

NM_003072.5(SMARCA4):c.4552A>G (p.Lys1518Glu)

Gene: SMARCA4 (SWI/SNF related BAF chromatin remodeling complex subunit ATPase 4; plus strand). Cytogenetic location: 19p13.2.
Variant type: single nucleotide variant.
Coding change: c.4552A>G on transcript NM_003072.5 (MANE Select); coding-DNA position 4552, A replaced by G.
Protein change: p.Lys1518Glu; replaces lysine 1518 with glutamic acid.
Molecular consequence: missense variant. On other transcripts: non-coding transcript variant (1).
Genome position (GRCh38, 1-based): chr19:11,058,806, A>G. VCF-style: chr19-11058806-A-G. GRCh37 (hg19) VCF-style: chr19-11169482-A-G.
Other names: c.4552A>G, p.Lys1518Glu (NM_001128844.3); c.4462A>G, p.Lys1488Glu (NM_001128845.2); c.4459A>G, p.Lys1487Glu (NM_001128846.2); c.4453A>G, p.Lys1485Glu (NM_001128847.4, NM_001374457.1); c.4450A>G, p.Lys1484Glu (NM_001128848.2); c.4648A>G, p.Lys1550Glu (NM_001128849.3, NM_001387283.1); c.4549A>G, p.Lys1517Glu (NM_001411150.1); short protein forms K1484E, K1485E, K1487E, K1488E, K1517E, K1518E, K1550E.
Identifiers: ClinVar variation 4864761 (VCV004864761.1).

ClinVar aggregate classification (germline): Uncertain significance (1 of 4 stars; one submission).

Conditions:
Hereditary cancer-predisposing syndrome. Also called: Neoplastic Syndromes, Hereditary; Tumor predisposition; Hereditary Cancer Syndrome; Hereditary neoplastic syndrome. Identifiers: Orphanet 140162, MedGen C0027672, MeSH D009386, MONDO:0015356.

Submission:

Ambry Genetics
Classification: Uncertain significance for Hereditary cancer-predisposing syndrome. Last evaluated: 2026-04-15. Review status: criteria provided, single submitter. Criteria: Ambry Variant Classification Scheme 2023. Collection method: clinical testing. Allele origin: germline.
Comment: The p.K1550E variant (also known as c.4648A>G), located in coding exon 32 of the SMARCA4 gene, results from an A to G substitution at nucleotide position 4648. The lysine at codon 1550 is replaced by glutamic acid, an amino acid with similar properties. This amino acid position is conserved. In addition, this alteration is predicted to be tolerated by in silico analysis. Based on the available evidence, the clinical significance of this variant remains unclear.